The following is an entry in ClinVar:

NM_019892.6(INPP5E):c.583C>T (p.Pro195Ser)

Gene: INPP5E (inositol polyphosphate-5-phosphatase E; minus strand). Cytogenetic location: 9q34.3.
Variant type: single nucleotide variant.
Coding change: c.583C>T on transcript NM_019892.6 (MANE Select); coding-DNA position 583, C replaced by T.
Protein change: p.Pro195Ser; replaces proline 195 with serine.
Molecular consequence: missense variant.
Genome position (GRCh38, 1-based): chr9:136,438,837, G>A on the plus strand (C>T on the coding strand, the complement: INPP5E is on the minus strand). VCF-style: chr9-136438837-G-A. GRCh37 (hg19) VCF-style: chr9-139333289-G-A.
Other names: c.583C>T, p.Pro195Ser (NM_001318502.2); short protein forms P195S.
Identifiers: ClinVar variation 962648 (VCV000962648.11), dbSNP rs765819603, ClinGen allele CA5337131.

ClinVar aggregate classification (germline): Uncertain significance. Review status: criteria provided, multiple submitters, no conflicts (2 of 4 stars). 3 submissions from 3 submitters: Uncertain significance (3). Last evaluated 2025-08-10.

Conditions:
MORM syndrome (MORMS). Identifiers: Orphanet 75858, MedGen C1857802, MONDO:0012423, OMIM 610156.
Joubert syndrome 1 (JBTS1). Also called: Cerebellooculorenal syndrome 1; CEREBELLOPARENCHYMAL DISORDER IV. Identifiers: MedGen C4551568, MONDO:0008944, OMIM 213300.
Joubert syndrome. Also called: Familial aplasia of the vermis; JOUBERT-BOLTSHAUSER SYNDROME. Identifiers: Orphanet 475, MedGen C5979921, MONDO:0018772.
Inborn genetic diseases. Identifiers: MedGen C0950123, MeSH D030342.

Allele frequency attached by ClinVar (database versions not stated): gnomAD exomes 0.00002 and 0.00003; ExAC 0.00007.
gnomAD v4.1: 30 of 1,608,736 alleles (0.0019%); highest among the groups gnomAD compares: South Asian, 0.023%; no homozygotes.

Submissions (3):

Ambry Genetics
Classification: Uncertain significance for Inborn genetic diseases. Last evaluated: 2025-08-10. Review status: criteria provided, single submitter. Criteria: Ambry Variant Classification Scheme 2023. Collection method: clinical testing. Allele origin: germline.

Fulgent Genetics
Classification: Uncertain significance for Joubert syndrome 1; MORM syndrome. Last evaluated: 2024-02-20. Review status: criteria provided, single submitter. Criteria: ACMG Guidelines, 2015. Collection method: clinical testing. Allele origin: germline.

Labcorp Genetics (formerly Invitae), Labcorp
Classification: Uncertain significance for Joubert syndrome. Last evaluated: 2022-10-18. Review status: criteria provided, single submitter. Criteria: Invitae Variant Classification Sherloc (09022015). Collection method: clinical testing. Allele origin: germline.
Comment: This sequence change replaces proline, which is neutral and non-polar, with serine, which is neutral and polar, at codon 195 of the INPP5E protein (p.Pro195Ser). This variant is present in population databases (rs765819603, gnomAD 0.03%). This variant has not been reported in the literature in individuals affected with INPP5E-related conditions. ClinVar contains an entry for this variant (Variation ID: 962648). Algorithms developed to predict the effect of missense changes on protein structure and function output the following: SIFT: "Deleterious"; PolyPhen-2: "Benign"; Align-GVGD: "Class C0". The serine amino acid residue is found in multiple mammalian species, which suggests that this missense change does not adversely affect protein function. In summary, the available evidence is currently insufficient to determine the role of this variant in disease. Therefore, it has been classified as a Variant of Uncertain Significance.